The following is an entry in ClinVar:

ClinVar aggregate classification (germline): Uncertain significance. Review status: criteria provided, multiple submitters, no conflicts (2 of 4 stars). 4 submissions from 4 submitters: Uncertain significance (3). 1 of the submissions does not count toward it. Last evaluated 2024-07-01.

Conditions:
Inborn genetic diseases. Identifiers: MedGen C0950123, MeSH D030342.
SLC24A1-related disorder. Also called: SLC24A1-related condition.

Allele frequency attached by ClinVar (database versions not stated): gnomAD exomes 0.00003 and 0.00010; ExAC 0.00011; ESP Exome Variant Server 0.00033; gnomAD 0.00036 and 0.00039; TOPMed 0.00038; 1000 Genomes Project 30x 0.00047; 1000 Genomes Project 0.00060.
gnomAD v4.1: 104 of 1,613,800 alleles (0.0064%); highest among the groups gnomAD compares: African/African-American, 0.13%; no homozygotes.

Submissions (4):

Blueprint Genetics
Classification: Uncertain significance. Last evaluated: 2024-07-01. Review status: criteria provided, single submitter. Criteria: ACMG Guidelines, 2015. Collection method: clinical testing. Allele origin: germline.

Labcorp Genetics (formerly Invitae), Labcorp
Classification: Uncertain significance. Last evaluated: 2022-08-07. Review status: criteria provided, single submitter. Criteria: Invitae Variant Classification Sherloc (09022015). Collection method: clinical testing. Allele origin: germline.
Comment: This sequence change replaces serine, which is neutral and polar, with arginine, which is basic and polar, at codon 326 of the SLC24A1 protein (p.Ser326Arg). This variant is present in population databases (rs184915931, gnomAD 0.2%). This variant has not been reported in the literature in individuals affected with SLC24A1-related conditions. ClinVar contains an entry for this variant (Variation ID: 1061314). Algorithms developed to predict the effect of missense changes on protein structure and function output the following: SIFT: "Tolerated"; PolyPhen-2: "Benign"; Align-GVGD: "Class C0". The arginine amino acid residue is found in multiple mammalian species, which suggests that this missense change does not adversely affect protein function. In summary, the available evidence is currently insufficient to determine the role of this variant in disease. Therefore, it has been classified as a Variant of Uncertain Significance.

Ambry Genetics
Classification: Uncertain significance for Inborn genetic diseases. Last evaluated: 2022-08-03. Review status: criteria provided, single submitter. Criteria: Ambry Variant Classification Scheme 2023. Collection method: clinical testing. Allele origin: germline.

PreventionGenetics, part of Exact Sciences
Classification: Likely benign for SLC24A1-related condition. Last evaluated: 2024-03-06. Review status: no assertion criteria provided. Collection method: clinical testing. Allele origin: germline. Not counted in ClinVar's aggregate classification.
Comment: This variant is classified as likely benign based on ACMG/AMP sequence variant interpretation guidelines (Richards et al. 2015 PMID: 25741868, with internal and published modifications).

NM_004727.3(SLC24A1):c.978C>A (p.Ser326Arg)

Gene: SLC24A1 (solute carrier family 24 member 1; plus strand). Cytogenetic location: 15q22.31.
Variant type: single nucleotide variant.
Coding change: c.978C>A on transcript NM_004727.3 (MANE Select); coding-DNA position 978, C replaced by A.
Protein change: p.Ser326Arg; replaces serine 326 with arginine.
Molecular consequence: missense variant.
Genome position (GRCh38, 1-based): chr15:65,625,058, C>A. VCF-style: chr15-65625058-C-A. GRCh37 (hg19) VCF-style: chr15-65917396-C-A.
Other names: c.978C>A, p.Ser326Arg (NM_001301031.1, NM_001301032.1, NM_001301033.2); c.978C>A (NM_004727.2); short protein forms S326R.
Identifiers: ClinVar variation 1061314 (VCV001061314.7), dbSNP rs184915931, ClinGen allele CA7619832.
Genomic context (GRCh38, chr15:65,625,058, plus strand): 5'-TCCCCAGGGAACAGTCCTGTTGCATACCCCAGCCACCTCTGAGGGGCAGGTGACAATAAG[C>A]ACCATGACAGGCAGCAGCCCAGCAGAAACCAAAGCCTTCACTGCTGCCTGGAGTCTTAGG-3'
Protein context (NP_004718.1, residues 316-336): PATSEGQVTI[Ser326Arg]TMTGSSPAET